The following is an entry in ClinVar:

ClinVar aggregate classification (germline): Uncertain significance (1 of 4 stars; one submission).

Submission:

Labcorp Genetics (formerly Invitae), Labcorp
Classification: Uncertain significance. Last evaluated: 2022-11-04. Review status: criteria provided, single submitter. Criteria: Invitae Variant Classification Sherloc (09022015). Collection method: clinical testing. Allele origin: unknown.
Comment: In summary, the available evidence is currently insufficient to determine the role of this variant in disease. Therefore, it has been classified as a Variant of Uncertain Significance. This variant has not been reported in the literature in individuals affected with DLL1-related conditions. A copy number gain of the genomic region encompassing the full coding sequence of the DLL1 gene has been identified. The boundaries of this event are unknown as they extend beyond the assayed region for this gene and therefore may encompass additional genes. As the precise location of this event is unknown, it may be in tandem or it may be located elsewhere in the genome.

NC_000006.11:g.(?_170589990)_(170599227_?)dup

Gene: DLL1 (delta like canonical Notch ligand 1; minus strand). Cytogenetic location: 6q27.
Variant type: Duplication.
Identifiers: ClinVar variation 3246193 (VCV003246193.1).